The following is an entry in ClinVar:

NM_017780.4(CHD7):c.8228C>G (p.Pro2743Arg)

Gene: CHD7 (chromodomain helicase DNA binding protein 7; plus strand). Cytogenetic location: 8q12.2.
Variant type: single nucleotide variant.
Coding change: c.8228C>G on transcript NM_017780.4 (MANE Select); coding-DNA position 8228, C replaced by G.
Protein change: p.Pro2743Arg; replaces proline 2743 with arginine.
Molecular consequence: missense variant.
Genome position (GRCh38, 1-based): chr8:60,865,167, C>G. VCF-style: chr8-60865167-C-G. GRCh37 (hg19) VCF-style: chr8-61777726-C-G.
Other names: c.2081C>G, p.Pro694Arg (NM_001316690.1); short protein forms P694R, P2743R.
Identifiers: ClinVar variation 2185518 (VCV002185518.6), dbSNP rs1806181529, ClinGen allele CA371307830.

ClinVar aggregate classification (germline): Uncertain significance. Review status: criteria provided, multiple submitters, no conflicts (2 of 4 stars). 3 submissions from 3 submitters: Uncertain significance (3). Last evaluated 2026-01-21.

Conditions:
CHARGE syndrome (CHARGE). Also called: Hittner Hirsch Kreh syndrome; CHARGE ASSOCIATION--COLOBOMA, HEART ANOMALY, CHOANAL ATRESIA, RETARDATION, GENITAL AND EAR ANOMALIES; Coloboma, heart anomaly, choanal atresia, retardation, genital and ear anomalies; CHARGE association; Hall-Hittner syndrome. Identifiers: Orphanet 138, MedGen C0265354, MONDO:0008965.

Allele frequency attached by ClinVar (database versions not stated): gnomAD 0.00001; 1000 Genomes Project 30x 0.00016.
gnomAD v4.1: 1 of 1,612,218 alleles (0.000062%); highest among the groups gnomAD compares: East Asian, 0.0022%; no homozygotes.

Submissions (3):

GeneDx
Classification: Uncertain significance. Last evaluated: 2026-01-21. Review status: criteria provided, single submitter. Criteria: GeneDx Variant Classification Process June 2021. Collection method: clinical testing. Allele origin: germline.
Comment: Not observed at significant frequency in large population cohorts (gnomAD); In silico analysis supports that this missense variant has a deleterious effect on protein structure/function; Has not been previously published as pathogenic or benign to our knowledge

3billion
Classification: Uncertain significance for CHD7-related CHARGE syndrome. Last evaluated: 2024-09-09. Review status: criteria provided, single submitter. Criteria: ACMG Guidelines, 2015. Collection method: clinical testing. Allele origin: germline. Affected: yes.
Comment: The variant is observed at an extremely low frequency in the gnomAD v4.0.0 dataset (total allele frequency: <0.001%). Predicted Consequence/Location: Missense variant In silico tool predictions suggest damaging effect of the variant on gene or gene product [REVEL: 0.74 (>=0.6, sensitivity 0.68 and specificity 0.92); 3Cnet: 0.01 (>=0.6, sensitivity 0.72 and precision 0.9)]. The variant has been reported as of uncertain significance (ClinVar ID: VCV002185518) Therefore, this variant is classified as VUS according to the recommendation of ACMG/AMP guideline.

Labcorp Genetics (formerly Invitae), Labcorp
Classification: Uncertain significance for CHARGE syndrome. Last evaluated: 2022-02-19. Review status: criteria provided, single submitter. Criteria: Invitae Variant Classification Sherloc (09022015). Collection method: clinical testing. Allele origin: germline.
Comment: In summary, the available evidence is currently insufficient to determine the role of this variant in disease. Therefore, it has been classified as a Variant of Uncertain Significance. Advanced modeling of protein sequence and biophysical properties (such as structural, functional, and spatial information, amino acid conservation, physicochemical variation, residue mobility, and thermodynamic stability) performed at Invitae indicates that this missense variant is expected to disrupt CHD7 protein function. This variant has not been reported in the literature in individuals affected with CHD7-related conditions. This variant is not present in population databases (gnomAD no frequency). This sequence change replaces proline, which is neutral and non-polar, with arginine, which is basic and polar, at codon 2743 of the CHD7 protein (p.Pro2743Arg).